The following is an entry in ClinVar:

NM_000070.3(CAPN3):c.1350C>T (p.Phe450=)

Gene: CAPN3 (calpain 3; plus strand). Cytogenetic location: 15q15.1.
Variant type: single nucleotide variant.
Coding change: c.1350C>T on transcript NM_000070.3 (MANE Select); coding-DNA position 1350, C replaced by T.
Protein change: p.Phe450=; no amino-acid change (phenylalanine 450 retained).
Molecular consequence: synonymous variant.
Genome position (GRCh38, 1-based): chr15:42,399,648, C>T. VCF-style: chr15-42399648-C-T. GRCh37 (hg19) VCF-style: chr15-42691846-C-T.
Other names: c.1350C>T, p.Phe450= (NM_024344.2); c.1206C>T, p.Phe402= (NM_173087.2).
Identifiers: ClinVar variation 281360 (VCV000281360.28), dbSNP rs144944366, ClinGen allele CA7511325.

ClinVar aggregate classification (germline): Conflicting classifications of pathogenicity. Review status: criteria provided, conflicting classifications (1 of 4 stars). 6 submissions from 6 submitters: Uncertain significance (1); Benign (1); Likely benign (3). 1 of the submissions does not count toward it. Last evaluated 2026-01-25.

Conditions:
CAPN3-related disorder. Also called: CAPN3-related condition; CAPN3-related disorders. Identifiers: MedGen CN239245.
Autosomal recessive limb-girdle muscular dystrophy type 2A (LGMDR1). Also called: Muscular dystrophy, limb-girdle, type 2A, Amish; Limb-girdle muscular dystrophy, type 2A; Calpainopathy; LEYDEN-MOEBIUS MUSCULAR DYSTROPHY; MUSCULAR DYSTROPHY, PELVOFEMORAL. Identifiers: Orphanet 267, MedGen C1869123, MONDO:0009675, OMIM 253600. Disease mechanism: loss of function.

Allele frequency attached by ClinVar (database versions not stated): gnomAD exomes 0.00015 and 0.00038; ExAC 0.00060; gnomAD 0.00155 and 0.00167; TOPMed 0.00168; 1000 Genomes Project 0.00180; 1000 Genomes Project 30x 0.00203; ESP Exome Variant Server 0.00215.
gnomAD v4.1: 460 of 1,599,854 alleles (0.029%); highest among the groups gnomAD compares: African/African-American, 0.55%; 3 homozygotes.

Submissions (6):

Labcorp Genetics (formerly Invitae), Labcorp
Classification: Benign for Autosomal recessive limb-girdle muscular dystrophy type 2A. Last evaluated: 2026-01-25. Review status: criteria provided, single submitter. Criteria: Invitae Variant Classification Sherloc (09022015). Collection method: clinical testing. Allele origin: germline.

Blueprint Genetics
Classification: Likely benign. Last evaluated: 2024-10-24. Review status: criteria provided, single submitter. Criteria: ACMG Guidelines, 2015. Collection method: clinical testing. Allele origin: germline.

GeneDx
Classification: Likely benign. Last evaluated: 2019-08-16. Review status: criteria provided, single submitter. Criteria: GeneDx Variant Classification Process June 2021. Collection method: clinical testing. Allele origin: germline. Affected: yes.
Comment: This variant is associated with the following publications: (PMID: 24109560)

Illumina Laboratory Services, Illumina
Classification: Uncertain significance for Limb-girdle muscular dystrophy, type 2A. Last evaluated: 2018-01-13. Review status: criteria provided, single submitter. Criteria: ICSL Variant Classification Criteria 13 December 2019. Collection method: clinical testing. Allele origin: germline.

Eurofins Ntd Llc (ga)
Classification: Likely benign. Last evaluated: 2015-06-11. Review status: criteria provided, single submitter. Criteria: EGL Classification Definitions 2015. Collection method: clinical testing. Allele origin: germline. Observed: 1 variant allele, 1 heterozygote.

PreventionGenetics, part of Exact Sciences
Classification: Likely benign for CAPN3-related condition. Last evaluated: 2019-04-29. Review status: no assertion criteria provided. Collection method: clinical testing. Allele origin: germline. Not counted in ClinVar's aggregate classification.
Comment: This variant is classified as likely benign based on ACMG/AMP sequence variant interpretation guidelines (Richards et al. 2015 PMID: 25741868, with internal and published modifications).